The following is an entry in ClinVar:

ClinVar aggregate classification (germline): Uncertain significance. Review status: criteria provided, multiple submitters, no conflicts (2 of 4 stars). 3 submissions from 3 submitters: Uncertain significance (2). 1 of the submissions does not count toward it. Last evaluated 2026-01-14.

Conditions:
VPS13B-related disorder. Also called: VPS13B-related condition.
Cohen syndrome (COH1). Also called: Cutis verticis gyrata, retinitis pigmentosa, and sensorineural deafness; PEPPER SYNDROME. Identifiers: Orphanet 193, MedGen C0265223, MONDO:0008999, OMIM 216550.

Allele frequency attached by ClinVar (database versions not stated): gnomAD exomes below 0.00001 and 0.00001.
gnomAD v4.1: 8 of 1,614,260 alleles (0.0005%); highest among the groups gnomAD compares: Middle Eastern, 0.082%; no homozygotes.

Submissions (3):

PreventionGenetics, part of Exact Sciences
Classification: Uncertain significance for VPS13B-related condition. Last evaluated: 2026-01-14. Review status: criteria provided, single submitter. Criteria: ACMG Guidelines, 2015. Collection method: clinical testing. Allele origin: germline.
Comment: The VPS13B c.10540T>C variant is predicted to result in the amino acid substitution p.Tyr3514His. To our knowledge, this variant has not been reported in the literature. This variant is reported in two individuals of the "other" population in gnomAD. At this time, the clinical significance of this variant is uncertain due to the absence of conclusive functional and genetic evidence.

Labcorp Genetics (formerly Invitae), Labcorp
Classification: Uncertain significance for Cohen syndrome. Last evaluated: 2022-07-12. Review status: criteria provided, single submitter. Criteria: Invitae Variant Classification Sherloc (09022015). Collection method: clinical testing. Allele origin: germline.
Comment: This sequence change replaces tyrosine, which is neutral and polar, with histidine, which is basic and polar, at codon 3539 of the VPS13B protein (p.Tyr3539His). This variant is present in population databases (no rsID available, gnomAD no frequency). This variant has not been reported in the literature in individuals affected with VPS13B-related conditions. ClinVar contains an entry for this variant (Variation ID: 641046). Algorithms developed to predict the effect of missense changes on protein structure and function output the following: SIFT: "Not Available"; PolyPhen-2: "Benign"; Align-GVGD: "Not Available". The histidine amino acid residue is found in multiple mammalian species, which suggests that this missense change does not adversely affect protein function. In summary, the available evidence is currently insufficient to determine the role of this variant in disease. Therefore, it has been classified as a Variant of Uncertain Significance.

Natera, Inc.
Classification: Uncertain significance for Cohen syndrome. Last evaluated: 2020-09-16. Review status: no assertion criteria provided. Collection method: clinical testing. Allele origin: germline. Not counted in ClinVar's aggregate classification.

NM_152564.5(VPS13B):c.10540T>C (p.Tyr3514His)

Gene: VPS13B (vacuolar protein sorting 13 homolog B; plus strand). Cytogenetic location: 8q22.2.
Variant type: single nucleotide variant.
Coding change: c.10540T>C on transcript NM_152564.5 (MANE Select); coding-DNA position 10540, T replaced by C.
Protein change: p.Tyr3514His; replaces tyrosine 3514 with histidine.
Molecular consequence: missense variant.
Genome position (GRCh38, 1-based): chr8:99,853,929, T>C. VCF-style: chr8-99853929-T-C. GRCh37 (hg19) VCF-style: chr8-100866157-T-C.
Other names: c.10615T>C, p.Tyr3539His (NM_017890.5); c.10540T>C (NM_152564.4); short protein forms Y3514H, Y3539H.
Identifiers: ClinVar variation 641046 (VCV000641046.7), dbSNP rs1440017130, ClinGen allele CA371783785.